The following is an entry in ClinVar:

ClinVar aggregate classification (germline): Uncertain significance (1 of 4 stars; one submission).

Conditions:
Martsolf syndrome (MARTS). Also called: Congenital cataract with intellectual disability and hypogonadotropic hypogonadism syndrome. Identifiers: Orphanet 1387, MedGen C0796037, MONDO:0023910.
Warburg micro syndrome 2 (WARBM2). Also called: MICRO SYNDROME 2. Identifiers: Orphanet 2510, MedGen C3280214, MONDO:0013641, OMIM 614225.

Allele frequency attached by ClinVar (database versions not stated): gnomAD exomes below 0.00001; ExAC 0.00001; gnomAD 0.00001; TOPMed 0.00001; ESP Exome Variant Server 0.00008.

Submission:

Labcorp Genetics (formerly Invitae), Labcorp
Classification: Uncertain significance for Martsolf syndrome; Warburg micro syndrome 2. Last evaluated: 2024-12-16. Review status: criteria provided, single submitter. Criteria: Invitae Variant Classification Sherloc (09022015). Collection method: clinical testing. Allele origin: germline.
Comment: This sequence change replaces methionine, which is neutral and non-polar, with isoleucine, which is neutral and non-polar, at codon 89 of the RAB3GAP2 protein (p.Met89Ile). This variant is present in population databases (rs376681173, gnomAD 0.007%). This variant has not been reported in the literature in individuals affected with RAB3GAP2-related conditions. ClinVar contains an entry for this variant (Variation ID: 1471358). Invitae Evidence Modeling of protein sequence and biophysical properties (such as structural, functional, and spatial information, amino acid conservation, physicochemical variation, residue mobility, and thermodynamic stability) indicates that this missense variant is not expected to disrupt RAB3GAP2 protein function with a negative predictive value of 80%. Algorithms developed to predict the effect of sequence changes on RNA splicing suggest that this variant may disrupt the consensus splice site. In summary, the available evidence is currently insufficient to determine the role of this variant in disease. Therefore, it has been classified as a Variant of Uncertain Significance.

NM_012414.4(RAB3GAP2):c.267G>A (p.Met89Ile)

Gene: RAB3GAP2 (RAB3 GTPase activating non-catalytic protein subunit 2; minus strand). Cytogenetic location: 1q41.
Variant type: single nucleotide variant.
Coding change: c.267G>A on transcript NM_012414.4 (MANE Select); coding-DNA position 267, G replaced by A.
Protein change: p.Met89Ile; replaces methionine 89 with isoleucine.
Molecular consequence: missense variant.
Genome position (GRCh38, 1-based): chr1:220,213,893, C>T on the plus strand (G>A on the coding strand, the complement: RAB3GAP2 is on the minus strand). VCF-style: chr1-220213893-C-T. GRCh37 (hg19) VCF-style: chr1-220387235-C-T.
Other names: short protein forms M89I.
Identifiers: ClinVar variation 1471358 (VCV001471358.7), dbSNP rs376681173, ClinGen allele CA1403079.